The following is an entry in ClinVar:

ClinVar aggregate classification (germline): Likely pathogenic (1 of 4 stars; one submission).

Submission:

Mayo Clinic Laboratories, Mayo Clinic
Classification: Likely pathogenic. Last evaluated: 2024-03-06. Review status: criteria provided, single submitter. Criteria: ACMG Guidelines, 2015. Collection method: clinical testing. Allele origin: germline.
Comment: PM1, PM2_moderate, PS1

Literature cited by the submitters: PubMed 21255002; PubMed 21876696; PubMed 27058983; PubMed 29713289; PubMed 37516005.

NM_000342.4(SLC4A1):c.2284A>C (p.Ser762Arg)

Gene: SLC4A1 (solute carrier family 4 member 1 (Diego blood group); minus strand). Cytogenetic location: 17q21.31.
Variant type: single nucleotide variant.
Coding change: c.2284A>C on transcript NM_000342.4 (MANE Select); coding-DNA position 2284, A replaced by C.
Protein change: p.Ser762Arg; replaces serine 762 with arginine.
Molecular consequence: missense variant.
Genome position (GRCh38, 1-based): chr17:44,253,145, T>G on the plus strand (A>C on the coding strand, the complement: SLC4A1 is on the minus strand). VCF-style: chr17-44253145-T-G. GRCh37 (hg19) VCF-style: chr17-42330513-T-G.
Other names: p.Ser762Arg; short protein forms S762R.
Identifiers: ClinVar variation 1705965 (VCV001705965.5), dbSNP rs2509960774, ClinGen allele CA399781427.